The following is an entry in ClinVar:

ClinVar aggregate classification (germline): Uncertain significance (1 of 4 stars; one submission).

Allele frequency attached by ClinVar (database versions not stated): ESP Exome Variant Server 0.00015; gnomAD exomes 0.00007; gnomAD 0.00007; TOPMed 0.00008; ExAC 0.00009.

Submission:

Labcorp Genetics (formerly Invitae), Labcorp
Classification: Uncertain significance. Last evaluated: 2025-10-16. Review status: criteria provided, single submitter. Criteria: Invitae Variant Classification Sherloc (09022015). Collection method: clinical testing. Allele origin: germline.
Comment: This sequence change replaces histidine, which is basic and polar, with tyrosine, which is neutral and polar, at codon 872 of the TNS2 protein (p.His872Tyr). This variant is present in population databases (rs150646265, gnomAD 0.01%). This variant has not been reported in the literature in individuals affected with TNS2-related conditions. ClinVar contains an entry for this variant (Variation ID: 2914590). An algorithm developed to predict the effect of missense changes on protein structure and function (PolyPhen-2) suggests that this variant is likely to be tolerated. In summary, the available evidence is currently insufficient to determine the role of this variant in disease. Therefore, it has been classified as a Variant of Uncertain Significance.

NM_170754.4(TNS2):c.2584C>T (p.His862Tyr)

Gene: TNS2 (tensin 2; plus strand). Cytogenetic location: 12q13.13.
Variant type: single nucleotide variant.
Coding change: c.2584C>T on transcript NM_170754.4 (MANE Select); coding-DNA position 2584, C replaced by T.
Protein change: p.His862Tyr; replaces histidine 862 with tyrosine.
Molecular consequence: missense variant.
Genome position (GRCh38, 1-based): chr12:53,060,225, C>T. VCF-style: chr12-53060225-C-T. GRCh37 (hg19) VCF-style: chr12-53454009-C-T.
Other names: c.2584C>T, p.His862Tyr (NM_001416202.1); c.2542C>T, p.His848Tyr (NM_001416203.1); c.2611C>T, p.His871Tyr (NM_001416204.1); c.2515C>T, p.His839Tyr (NM_015319.3); c.2212C>T, p.His738Tyr (NM_198316.2); short protein forms H839Y, H848Y, H862Y, H738Y, H871Y.
Identifiers: ClinVar variation 2914590 (VCV002914590.3), dbSNP rs150646265, ClinGen allele CA6592624.